The following is an entry in ClinVar:

NM_000787.4(DBH):c.610G>A (p.Glu204Lys)

Gene: DBH (dopamine beta-hydroxylase; plus strand). Cytogenetic location: 9q34.2.
Variant type: single nucleotide variant.
Coding change: c.610G>A on transcript NM_000787.4 (MANE Select); coding-DNA position 610, G replaced by A.
Protein change: p.Glu204Lys; replaces glutamic acid 204 with lysine.
Molecular consequence: missense variant.
Genome position (GRCh38, 1-based): chr9:133,642,330, G>A. VCF-style: chr9-133642330-G-A. GRCh37 (hg19) VCF-style: chr9-136507452-G-A.
Other names: short protein forms E204K.
Identifiers: ClinVar variation 1987711 (VCV001987711.2), dbSNP rs373889996, ClinGen allele CA5313135.
Genomic context (GRCh38, chr9:133,642,330, plus strand): 5'-AACGGCTCGGGCCTGCAGATGGGGCTGCAGAGGGTGCAGCTCCTGAAGCCCAATATCCCC[G>A]AACCGGAGTTGCCCTCAGACGCGTGCACCATGGAGGTCCAAGCTCCCAATATCCAGATCC-3'
Protein context (NP_000778.3, residues 194-214): RVQLLKPNIP[Glu204Lys]PELPSDACTM

ClinVar aggregate classification (germline): Uncertain significance (1 of 4 stars; one submission).

Conditions:
Orthostatic hypotension 1 (ORTHYP1). Also called: Orthostatic hypotension 1, due to DBH deficiency; NORADRENALINE DEFICIENCY; NOREPINEPHRINE DEFICIENCY; Dopamine beta-hydroxylase deficiency. Identifiers: Orphanet 230, MedGen C4746777, MONDO:0009123, OMIM 223360.

Allele frequency attached by ClinVar (database versions not stated): ExAC 0.00002; gnomAD exomes 0.00003; ESP Exome Variant Server 0.00008; gnomAD 0.00008; TOPMed 0.00008; 1000 Genomes Project 30x 0.00016.
gnomAD v4.1: 63 of 1,614,140 alleles (0.0039%); highest among the groups gnomAD compares: Admixed American, 0.018%; no homozygotes.

Submission:

Labcorp Genetics (formerly Invitae), Labcorp
Classification: Uncertain significance for Orthostatic hypotension 1. Last evaluated: 2023-11-06. Review status: criteria provided, single submitter. Criteria: Invitae Variant Classification Sherloc (09022015). Collection method: clinical testing. Allele origin: germline.
Comment: This sequence change replaces glutamic acid, which is acidic and polar, with lysine, which is basic and polar, at codon 204 of the DBH protein (p.Glu204Lys). This variant is present in population databases (rs373889996, gnomAD 0.01%). This variant has not been reported in the literature in individuals affected with DBH-related conditions. ClinVar contains an entry for this variant (Variation ID: 1987711). Advanced modeling of protein sequence and biophysical properties (such as structural, functional, and spatial information, amino acid conservation, physicochemical variation, residue mobility, and thermodynamic stability) performed at Invitae indicates that this missense variant is not expected to disrupt DBH protein function with a negative predictive value of 80%. In summary, the available evidence is currently insufficient to determine the role of this variant in disease. Therefore, it has been classified as a Variant of Uncertain Significance.